The following is an entry in ClinVar:

NM_000199.5(SGSH):c.1490C>T (p.Pro497Leu)

Gene: SGSH (N-sulfoglucosamine sulfohydrolase; minus strand). Cytogenetic location: 17q25.3.
Variant type: single nucleotide variant.
Coding change: c.1490C>T on transcript NM_000199.5 (MANE Select); coding-DNA position 1490, C replaced by T.
Protein change: p.Pro497Leu; replaces proline 497 with leucine.
Molecular consequence: missense variant. On other transcripts: 3 prime UTR variant (2), non-coding transcript variant (1).
Genome position (GRCh38, 1-based): chr17:80,210,471, G>A on the plus strand (C>T on the coding strand, the complement: SGSH is on the minus strand). VCF-style: chr17-80210471-G-A. GRCh37 (hg19) VCF-style: chr17-78184270-G-A.
Other names: c.*577C>T (NM_001352921.3); c.*540C>T (NM_001352922.2); short protein forms P497L.
Identifiers: ClinVar variation 873499 (VCV000873499.6), dbSNP rs1281022554, ClinGen allele CA401358318.

ClinVar aggregate classification (germline): Uncertain significance. Review status: criteria provided, multiple submitters, no conflicts (2 of 4 stars). 2 submissions from 2 submitters: Uncertain significance (2). Last evaluated 2021-11-07.

Conditions:
Mucopolysaccharidosis, MPS-III-A (MPS3A). Also called: SANFILIPPO SYNDROME A; SULFAMIDASE DEFICIENCY; Mucopolysaccharidosis, type IIIA; Mucopolysaccharidosis type IIIA (Sanfilippo A); mucopolysaccharidosis type 3A; MPS IIIA (Sanfilippo Syndrome Type A). Identifiers: Orphanet 581, Orphanet 79269, MedGen C0086647, MONDO:0009655, OMIM 252900.

Allele frequency attached by ClinVar (database versions not stated): gnomAD exomes below 0.00001.
gnomAD v4.1: 2 of 1,598,360 alleles (0.00013%); highest among the groups gnomAD compares: Non-Finnish European, 0.00017%; no homozygotes.

Submissions (2):

Genome-Nilou Lab
Classification: Uncertain significance for Mucopolysaccharidosis, MPS-III-A. Last evaluated: 2021-11-07. Review status: criteria provided, single submitter. Criteria: ACMG Guidelines, 2015. Collection method: clinical testing. Allele origin: germline. Affected: no.

Illumina Laboratory Services, Illumina
Classification: Uncertain significance for Mucopolysaccharidosis, MPS-III-A. Last evaluated: 2020-01-21. Review status: criteria provided, single submitter. Criteria: ICSLVariantClassificationCriteria RUGD 01 April 2020. Collection method: clinical testing. Allele origin: unknown.
Comment: The SGSH c.1490C>T (p.Pro497Leu) variant is a missense variant. A literature search was performed for the gene, cDNA change, and amino acid change. No publications were found based on this search. The p.Pro497Leu variant is reported at a frequency of 0.000009 in the European (non-Finnish) population of the Genome Aggregation Database though this is based on one allele in a region of good sequence coverage so the variant is presumed to be rare. Based on the limited evidence, the p.Pro497Leu variant is classified as a variant of unknown significance for mucopolysaccharidosis, type III.